The following is an entry in ClinVar:

NM_007192.4(SUPT16H):c.3141G>T (p.Lys1047Asn)

Genes: SUPT16H (SPT16 homolog, facilitates chromatin remodeling subunit; minus strand), LOC126861887 (BRD4-independent group 4 enhancer GRCh37_chr14:21820143-21821342; plus strand). Cytogenetic location: 14q11.2.
Variant type: single nucleotide variant.
Coding change: c.3141G>T on transcript NM_007192.4 (MANE Select); coding-DNA position 3141, G replaced by T.
Protein change: p.Lys1047Asn; replaces lysine 1047 with asparagine.
Molecular consequence: missense variant.
Genome position (GRCh38, 1-based): chr14:21,352,676, C>A on the plus strand (G>T on the coding strand, the complement: SUPT16H is on the minus strand). VCF-style: chr14-21352676-C-A. GRCh37 (hg19) VCF-style: chr14-21820835-C-A.
Other names: short protein forms K1047N.
Identifiers: ClinVar variation 3360187 (VCV003360187.2).

ClinVar aggregate classification (germline): Uncertain significance (1 of 4 stars; one submission).

Submission:

GeneDx
Classification: Uncertain significance. Last evaluated: 2026-04-26. Review status: criteria provided, single submitter. Criteria: GeneDx Variant Classification Process June 2021. Collection method: clinical testing. Allele origin: germline.
Comment: Has not been previously published as pathogenic or benign to our knowledge; Not observed at significant frequency in large population cohorts (gnomAD); In silico analysis suggests that this missense variant does not alter protein structure/function